The following is an entry in ClinVar:

NM_001165963.4(SCN1A):c.3128A>T (p.Lys1043Met)

Genes: SCN1A (sodium voltage-gated channel alpha subunit 1; minus strand), LOC102724058 (uncharacterized LOC102724058; plus strand). Cytogenetic location: 2q24.3.
Variant type: single nucleotide variant.
Coding change: c.3128A>T on transcript NM_001165963.4 (MANE Select); coding-DNA position 3128, A replaced by T.
Protein change: p.Lys1043Met; replaces lysine 1043 with methionine.
Molecular consequence: missense variant. On other transcripts: non-coding transcript variant (2).
Genome position (GRCh38, 1-based): chr2:166,036,349, T>A on the plus strand (A>T on the coding strand, the complement: SCN1A is on the minus strand). VCF-style: chr2-166036349-T-A. GRCh37 (hg19) VCF-style: chr2-166892859-T-A.
Other names: c.3044A>T, p.Lys1015Met (NM_001165964.3, NM_001353957.2, NM_001353958.2); c.3128A>T, p.Lys1043Met (NM_001202435.3, NM_001353948.2); c.3095A>T, p.Lys1032Met (NM_001353949.2, NM_001353950.2, NM_001353951.2 and 2 more transcripts); c.3092A>T, p.Lys1031Met (NM_001353954.2, NM_001353955.2); c.3041A>T, p.Lys1014Met (NM_001353960.2); c.686A>T, p.Lys229Met (NM_001353961.2); short protein forms K1032M, K1043M, K1014M, K1015M, K229M, K1031M.
Identifiers: ClinVar variation 546342 (VCV000546342.5), dbSNP rs1553540334, ClinGen allele CA349059871.

ClinVar aggregate classification (germline): Uncertain significance. Review status: criteria provided, multiple submitters, no conflicts (2 of 4 stars). 2 submissions from 2 submitters: Uncertain significance (2). Last evaluated 2024-02-29.

Conditions:
Early-infantile DEE. Also called: Ohtahara syndrome; Early infantile epileptic encephalopathy; Early infantile epileptic encephalopathy with suppression bursts. Identifiers: Orphanet 1934, MedGen C0393706, MONDO:0800491.

Submissions (2):

Labcorp Genetics (formerly Invitae), Labcorp
Classification: Uncertain significance for Early-infantile DEE. Last evaluated: 2024-02-29. Review status: criteria provided, single submitter. Criteria: Invitae Variant Classification Sherloc (09022015). Collection method: clinical testing. Allele origin: germline.
Comment: This sequence change replaces lysine, which is basic and polar, with methionine, which is neutral and non-polar, at codon 1043 of the SCN1A protein (p.Lys1043Met). This variant is not present in population databases (gnomAD no frequency). This variant has not been reported in the literature in individuals affected with SCN1A-related conditions. ClinVar contains an entry for this variant (Variation ID: 546342). Advanced modeling of protein sequence and biophysical properties (such as structural, functional, and spatial information, amino acid conservation, physicochemical variation, residue mobility, and thermodynamic stability) has been performed at Invitae for this missense variant, however the output from this modeling did not meet the statistical confidence thresholds required to predict the impact of this variant on SCN1A protein function. In summary, the available evidence is currently insufficient to determine the role of this variant in disease. Therefore, it has been classified as a Variant of Uncertain Significance.

GeneDx
Classification: Uncertain significance. Last evaluated: 2019-04-26. Review status: criteria provided, single submitter. Criteria: GeneDx Variant Classification Process June 2021. Collection method: clinical testing. Allele origin: germline. Affected: yes.
Comment: Not observed in large population cohorts (Lek et al., 2016); The majority of missense variants in this gene are considered pathogenic (Stenson et al., 2014); In silico analysis, which includes protein predictors and evolutionary conservation, supports a deleterious effect; Has not been previously published as pathogenic or benign to our knowledge